The following is an entry in ClinVar:

NM_004369.4(COL6A3):c.3071-1G>A

Gene: COL6A3 (collagen type VI alpha 3 chain; minus strand). Cytogenetic location: 2q37.3.
Variant type: single nucleotide variant.
Coding change: c.3071-1G>A on transcript NM_004369.4 (MANE Select); the canonical splice acceptor site of the intron before coding-DNA position 3071, G replaced by A.
Molecular consequence: splice acceptor variant.
Genome position (GRCh38, 1-based): chr2:237,375,021, C>T on the plus strand (G>A on the coding strand, the complement: COL6A3 is on the minus strand). VCF-style: chr2-237375021-C-T. GRCh37 (hg19) VCF-style: chr2-238283664-C-T.
Other names: c.1250-1G>A (NM_057166.5); c.2453-1G>A (NM_057167.4, NM_057165.5); c.1850-1G>A (NM_057164.5).
Identifiers: ClinVar variation 2994962 (VCV002994962.3), dbSNP rs1301584371, ClinGen allele CA351206126.
Genomic context (GRCh38, chr2:237,375,021, plus strand): 5'-AGCCGCTCCTGACGCCCTCAGAGCCATCAAGCAGAAACACCACGTCCTTTTCACCTGAAA[C>T]TGGGAGGAGGACAGCCTGGTAACTCACACAGGACATCAGAGCAGCAATTTCATATCAACG-3'

ClinVar aggregate classification (germline): Likely pathogenic (1 of 4 stars; one submission).

Conditions:
Bethlem myopathy 1A. Also called: MYOPATHY, BENIGN CONGENITAL, WITH CONTRACTURES; Bethlem myopathy 1; Bethlem Muscular Dystrophy. Identifiers: Orphanet 610, MedGen CN029274, MONDO:0024530, OMIM 158810.

Submission:

Labcorp Genetics (formerly Invitae), Labcorp
Classification: Likely pathogenic for Bethlem myopathy 1A. Last evaluated: 2024-01-11. Review status: criteria provided, single submitter. Criteria: Invitae Variant Classification Sherloc (09022015). Collection method: clinical testing. Allele origin: germline.
Comment: This sequence change affects an acceptor splice site in intron 7 of the COL6A3 gene. It is expected to disrupt RNA splicing. Variants that disrupt the donor or acceptor splice site typically lead to a loss of protein function (PMID: 16199547), and loss-of-function variants in COL6A3 are known to be pathogenic (PMID: 26004199). This variant is present in population databases (no rsID available, gnomAD 0.0009%). This variant has not been reported in the literature in individuals affected with COL6A3-related conditions. Algorithms developed to predict the effect of sequence changes on RNA splicing suggest that this variant may disrupt the consensus splice site. In summary, the currently available evidence indicates that the variant is pathogenic, but additional data are needed to prove that conclusively. Therefore, this variant has been classified as Likely Pathogenic.

Literature cited by the submitters: PubMed 16199547; PubMed 26004199.